The following is an entry in ClinVar:

NM_052867.4(NALCN):c.1117G>A (p.Ala373Thr)

Gene: NALCN (sodium leak channel, non-selective; minus strand). Cytogenetic location: 13q33.1.
Variant type: single nucleotide variant.
Coding change: c.1117G>A on transcript NM_052867.4 (MANE Select); coding-DNA position 1117, G replaced by A.
Protein change: p.Ala373Thr; replaces alanine 373 with threonine.
Molecular consequence: missense variant. On other transcripts: intron variant (2).
Genome position (GRCh38, 1-based): chr13:101,283,950, C>T on the plus strand (G>A on the coding strand, the complement: NALCN is on the minus strand). VCF-style: chr13-101283950-C-T. GRCh37 (hg19) VCF-style: chr13-101936301-C-T.
Other names: c.1117G>A, p.Ala373Thr (NM_001350748.2, NM_001350749.2); c.1047+8040G>A (NM_001350751.2, NM_001350750.2); short protein forms A373T.
Identifiers: ClinVar variation 5025339 (VCV005025339.1).

ClinVar aggregate classification (germline): Uncertain significance (1 of 4 stars; one submission).

Conditions:
Inborn genetic diseases. Identifiers: MedGen C0950123, MeSH D030342.

gnomAD v4.1: 6 of 1,612,984 alleles (0.00037%); highest among the groups gnomAD compares: Non-Finnish European, 0.00051%; no homozygotes.

Submission:

Ambry Genetics
Classification: Uncertain significance for Inborn genetic diseases. Last evaluated: 2026-06-15. Review status: criteria provided, single submitter. Criteria: Ambry Variant Classification Scheme 2023. Collection method: clinical testing. Allele origin: germline.
Comment: The c.1117G>A (p.A373T) alteration is located in exon 10 (coding exon 9) of the NALCN gene. This alteration results from a G to A substitution at nucleotide position 1117, causing the alanine (A) at amino acid position 373 to be replaced by a threonine (T). Based on data from gnomAD, the A allele has an overall frequency of 0.001% (3/249966) total alleles studied. The highest observed frequency was 0.003% (3/113406) of European (non-Finnish) alleles. Based on insufficient or conflicting evidence, the clinical significance of this alteration remains unclear.